The following is an entry in ClinVar:

NM_000548.5(TSC2):c.4461C>G (p.Ser1487=)

Gene: TSC2 (TSC complex subunit 2; plus strand). Cytogenetic location: 16p13.3.
Variant type: single nucleotide variant.
Coding change: c.4461C>G on transcript NM_000548.5 (MANE Select); coding-DNA position 4461, C replaced by G.
Protein change: p.Ser1487=; no amino-acid change (serine 1487 retained).
Molecular consequence: synonymous variant.
Genome position (GRCh38, 1-based): chr16:2,084,683, C>G. VCF-style: chr16-2084683-C-G. GRCh37 (hg19) VCF-style: chr16-2134684-C-G.
Other names: c.4260C>G, p.Ser1420= (NM_001077183.3); c.4392C>G, p.Ser1464= (NM_001114382.3); c.4152C>G, p.Ser1384= (NM_001318827.2); c.4116C>G, p.Ser1372= (NM_001318829.2); c.3729C>G, p.Ser1243= (NM_001318831.2); c.4293C>G, p.Ser1431= (NM_001318832.2); c.4263C>G, p.Ser1421= (NM_001363528.2); c.4329C>G, p.Ser1443= (NM_001370404.1); and 1 more.
Identifiers: ClinVar variation 468089 (VCV000468089.17), dbSNP rs777104003, ClinGen allele CA493043358.

ClinVar aggregate classification (germline): Benign/Likely benign. Review status: criteria provided, multiple submitters, no conflicts (2 of 4 stars). 5 submissions from 5 submitters: Benign (2); Likely benign (3). Last evaluated 2025-06-03.

Conditions:
Tuberous sclerosis syndrome (TSC). Also called: Tuberous Sclerosis Complex; Tuberous sclerosis. Identifiers: Orphanet 805, MedGen C0041341, MONDO:0001734.
Hereditary cancer-predisposing syndrome. Also called: Hereditary neoplastic syndrome; Neoplastic Syndromes, Hereditary; Tumor predisposition; Hereditary Cancer Syndrome. Identifiers: Orphanet 140162, MedGen C0027672, MeSH D009386, MONDO:0015356.
Tuberous sclerosis 2 (TSC2). Identifiers: Orphanet 805, MedGen C1860707, MONDO:0013199, OMIM 613254.

Submissions (5):

Myriad Genetics, Inc.
Classification: Benign for Tuberous sclerosis 2. Last evaluated: 2025-06-03. Review status: criteria provided, single submitter. Criteria: Myriad Autosomal Dominant, Autosomal Recessive and X-Linked Classification Criteria (2023). Collection method: clinical testing. Allele origin: unknown.
Comment: This variant is considered benign. This variant is a silent/synonymous amino acid change and it is not expected to impact splicing.

Labcorp Genetics (formerly Invitae), Labcorp
Classification: Likely benign for Tuberous sclerosis 2. Last evaluated: 2024-11-17. Review status: criteria provided, single submitter. Criteria: Invitae Variant Classification Sherloc (09022015). Collection method: clinical testing. Allele origin: germline.

All of Us Research Program, National Institutes of Health
Classification: Likely benign for Tuberous sclerosis syndrome. Last evaluated: 2023-12-13. Review status: criteria provided, single submitter. Criteria: ACMG Guidelines, 2015. Collection method: clinical testing. Allele origin: germline. Inheritance: Autosomal dominant inheritance. Observed: 1 variant allele, 1 heterozygote.
Comment: This study involves interpretation of variants in research participants for the purpose of population health screening. Participant phenotype was not available at the time of variant classification. Additional details can be found in publication PMID: 35346344, PMCID: PMC8962531

Genome-Nilou Lab
Classification: Benign for Tuberous sclerosis 2. Last evaluated: 2021-11-07. Review status: criteria provided, single submitter. Criteria: ACMG Guidelines, 2015. Collection method: clinical testing. Allele origin: germline. Affected: no.

Ambry Genetics
Classification: Likely benign for Hereditary cancer-predisposing syndrome. Last evaluated: 2018-12-07. Review status: criteria provided, single submitter. Criteria: Ambry Variant Classification Scheme 2023. Collection method: clinical testing. Allele origin: germline.